The following is an entry in ClinVar:

NM_000969.5(RPL5):c.634dup (p.Met212fs)

Genes: DIPK1A (divergent protein kinase domain 1A; minus strand), RPL5 (ribosomal protein L5; plus strand). Cytogenetic location: 1p22.1.
Variant type: Duplication.
Coding change: c.634dup on transcript NM_000969.5 (MANE Select); coding-DNA position 634, one base duplicated (A; older notation c.634dupA).
Protein change: p.Met212fs; shifts the reading frame from methionine 212.
Molecular consequence: frameshift variant. On other transcripts: non-coding transcript variant (1), intron variant (1).
Genome position (GRCh38, 1-based): chr1:92,837,562, A duplicated; the last of 2 consecutive A bases (chr1:92,837,561-92,837,562); duplicating either gives the same sequence. VCF-style (leftmost placement, unchanged base first): chr1-92837560-T-TA. GRCh37 (hg19) VCF-style: chr1-93303117-T-TA.
Other names: c.475-4527dup (NM_001252273.2); short protein forms M212fs.
Identifiers: ClinVar variation 965003 (VCV000965003.3), dbSNP rs1687178005, ClinGen allele CA1139656211.

ClinVar aggregate classification (germline): Pathogenic (1 of 4 stars; one submission).

Conditions:
Diamond-Blackfan anemia. Also called: Blackfan Diamond syndrome; Aregenerative anemia chronic congenital; Red cell aplasia, pure hereditary; Congenital hypoplastic anemia; Aase syndrome. Identifiers: Orphanet 124, MedGen C1260899, MeSH D029503, MONDO:0015253, HP:0004810.

Submission:

Labcorp Genetics (formerly Invitae), Labcorp
Classification: Pathogenic for Diamond-Blackfan anemia. Last evaluated: 2019-10-28. Review status: criteria provided, single submitter. Criteria: Invitae Variant Classification Sherloc (09022015). Collection method: clinical testing. Allele origin: germline.
Comment: This sequence change creates a premature translational stop signal (p.Met212Asnfs*5) in the RPL5 gene. It is expected to result in an absent or disrupted protein product. This variant is not present in population databases (ExAC no frequency). This variant has not been reported in the literature in individuals with RPL5-related conditions. Loss-of-function variants in RPL5 are known to be pathogenic (PMID: 19061985, 19773262). For these reasons, this variant has been classified as Pathogenic.